The following is an entry in ClinVar:

ClinVar aggregate classification (germline): Likely benign. Review status: criteria provided, multiple submitters, no conflicts (2 of 4 stars). 2 submissions from 2 submitters: Likely benign (2). Last evaluated 2025-10-22.

Conditions:
PCNT-related disorder. Also called: PCNT-related condition.

Allele frequency attached by ClinVar (database versions not stated): gnomAD 0.00001; gnomAD exomes 0.00001; TOPMed 0.00001; ExAC 0.00002.
gnomAD v4.1: 22 of 1,608,680 alleles (0.0014%); highest among the groups gnomAD compares: East Asian, 0.0067%; no homozygotes.

Submissions (2):

Labcorp Genetics (formerly Invitae), Labcorp
Classification: Likely benign. Last evaluated: 2025-10-22. Review status: criteria provided, single submitter. Criteria: Invitae Variant Classification Sherloc (09022015). Collection method: clinical testing. Allele origin: germline.

PreventionGenetics, part of Exact Sciences
Classification: Likely benign for PCNT-related condition. Last evaluated: 2025-01-29. Review status: criteria provided, single submitter. Criteria: ACMG Guidelines, 2015. Collection method: clinical testing. Allele origin: germline.
Comment: This variant is classified as likely benign based on ACMG/AMP sequence variant interpretation guidelines (Richards et al. 2015 PMID: 25741868, with internal and published modifications).

NM_006031.6(PCNT):c.4071C>T (p.Ser1357=)

Gene: PCNT (pericentrin; plus strand). Cytogenetic location: 21q22.3.
Variant type: single nucleotide variant.
Coding change: c.4071C>T on transcript NM_006031.6 (MANE Select); coding-DNA position 4071, C replaced by T.
Protein change: p.Ser1357=; no amino-acid change (serine 1357 retained).
Molecular consequence: synonymous variant.
Genome position (GRCh38, 1-based): chr21:46,391,231, C>T. VCF-style: chr21-46391231-C-T. GRCh37 (hg19) VCF-style: chr21-47811146-C-T.
Other names: c.3717C>T, p.Ser1239= (NM_001315529.2); c.4071C>T (NM_006031.5).
Identifiers: ClinVar variation 2888245 (VCV002888245.4), dbSNP rs368402639, ClinGen allele CA10079527.
Genomic context (GRCh38, chr21:46,391,231, plus strand): 5'-TGAGGGATTCAAGGTGGAGACAGCAGATCTGAAGGAGGTGCTGGCCGGGAAGGAGGATTC[C>T]GAGCACCGTCTGGTGCTGGAGCTGGAGAGCCTGAGACGGCAGCTGCAGCAGGCGGCCCAG-3'
Protein context (NP_006022.3, residues 1347-1367): LKEVLAGKED[Ser1357=]EHRLVLELES